The following is an entry in ClinVar:

NM_000392.5(ABCC2):c.3205_3206del (p.Met1069fs)

Gene: ABCC2 (ATP binding cassette subfamily C member 2; plus strand). Cytogenetic location: 10q24.2.
Variant type: Deletion.
Coding change: c.3205_3206del on transcript NM_000392.5 (MANE Select); coding-DNA positions 3205 to 3206, 2 bases deleted (AT; older notation c.3205_3206delAT).
Protein change: p.Met1069fs; shifts the reading frame from methionine 1069.
Molecular consequence: frameshift variant.
Genome position (GRCh38, 1-based): chr10:99,832,078-99,832,079, AT deleted; deleting any 2 consecutive bases within chr10:99,832,077-99,832,079 gives the same sequence; the c. name uses the placement nearest the transcript's 3' end. VCF-style (leftmost placement, unchanged base first): chr10-99832076-CTA-C. GRCh37 (hg19) VCF-style: chr10-101591833-CTA-C.
Other names: short protein forms M1069fs.
Identifiers: ClinVar variation 5001379 (VCV005001379.1).
Genomic context (GRCh38, chr10:99,832,076, plus strand): 5'-GTTTCGTCCATGCATCAAATATCTTGCACAAGCAACTGCTGAACAATATCCTTCGAGCAC[CTA>C]TGAGATTTTTTGACACAACACCCACAGGCCGGATTGTGAACAGGTTTGCCGGCGTAAGTA-3'

ClinVar aggregate classification (germline): Likely pathogenic (1 of 4 stars; one submission).

Conditions:
ABCC2-related disorder. Also called: ABCC2-related condition.

Submission:

PreventionGenetics, part of Exact Sciences
Classification: Likely pathogenic for ABCC2-related condition. Last evaluated: 2026-04-08. Review status: criteria provided, single submitter. Criteria: ACMG Guidelines, 2015. Collection method: clinical testing. Allele origin: germline.
Comment: The ABCC2 c.3205_3206delAT variant is predicted to result in a frameshift and premature protein termination (p.Met1069Glufs*4). To our knowledge, this variant has not been reported in the literature or in a large population database (gnomAD), indicating this variant is rare. Frameshift variants in ABCC2 are expected to be pathogenic. This variant is interpreted as likely pathogenic.